The following is an entry in ClinVar:

NM_001042681.2(RERE):c.4456G>T (p.Glu1486Ter)

Gene: RERE (arginine-glutamic acid dipeptide repeats; minus strand). Cytogenetic location: 1p36.23.
Variant type: single nucleotide variant.
Coding change: c.4456G>T on transcript NM_001042681.2 (MANE Select); coding-DNA position 4456, G replaced by T.
Protein change: p.Glu1486Ter; replaces glutamic acid 1486 with a stop codon.
Molecular consequence: nonsense.
Genome position (GRCh38, 1-based): chr1:8,356,130, C>A on the plus strand (G>T on the coding strand, the complement: RERE is on the minus strand). VCF-style: chr1-8356130-C-A. GRCh37 (hg19) VCF-style: chr1-8416190-C-A.
Other names: c.2794G>T, p.Glu932Ter (NM_001042682.2); c.4456G>T, p.Glu1486Ter (NM_012102.4); short protein forms E1486*, E932*.
Identifiers: ClinVar variation 2504331 (VCV002504331.2), dbSNP rs1158166019, ClinGen allele CA338168459.

ClinVar aggregate classification (germline): Pathogenic (1 of 4 stars; one submission).

Submission:

GeneDx
Classification: Pathogenic. Last evaluated: 2025-02-18. Review status: criteria provided, single submitter. Criteria: GeneDx Variant Classification Process June 2021. Collection method: clinical testing. Allele origin: germline. Affected: yes.
Comment: Nonsense variant predicted to result in protein truncation or nonsense mediated decay in a gene for which loss of function is a known mechanism of disease; Not observed at significant frequency in large population cohorts (gnomAD); Has not been previously published as pathogenic or benign to our knowledge